The following is an entry in ClinVar:

ClinVar aggregate classification (germline): Pathogenic. Review status: criteria provided, single submitter (1 of 4 stars). 2 submissions from 2 submitters: Pathogenic (1). 1 of the submissions does not count toward it. Last evaluated 2019-09-04.

Conditions:
Leukodystrophy, hypomyelinating, 19, transient infantile. Identifiers: MedGen C5231463, MONDO:0032871, OMIM 618688.
Leukodystrophy. Identifiers: Orphanet 68356, MedGen C0023520, MONDO:0019046, HP:0002415.

Submissions (2):

Simons Lab, The University of Queensland
Classification: Pathogenic for Leukodystrophy. Last evaluated: 2019-09-04. Review status: criteria provided, single submitter. Criteria: ACMG Guidelines, 2015. Collection method: research, in vitro. Allele origin: de novo, not applicable. Inheritance: Autosomal dominant inheritance. Affected: yes. Observed: 1 heterozygote. Functional consequence: effect on protein activity.
Comment: In vitro evidence through a cell-based stretch-activated channel activity assay indicates that the variant disrupts normal function of the mechanically activated channel (Murthy 2018). In summary, the Ile462Asn variant meets criteria to be classified as pathogenic with the following evidence: PS2, PS3, PM2, PP3.

OMIM
Classification: Pathogenic for LEUKODYSTROPHY, HYPOMYELINATING, 19, TRANSIENT INFANTILE. Last evaluated: 2019-12-09. Review status: no assertion criteria provided. Collection method: literature only. Allele origin: germline. Not counted in ClinVar's aggregate classification.

Literature cited by the submitters: PubMed 31587869 (cited by OMIM).

NM_014698.3(TMEM63A):c.1385T>A (p.Ile462Asn)

Gene: TMEM63A (transmembrane protein 63A; minus strand). Cytogenetic location: 1q42.12.
Variant type: single nucleotide variant.
Coding change: c.1385T>A on transcript NM_014698.3 (MANE Select); coding-DNA position 1385, T replaced by A.
Protein change: p.Ile462Asn; replaces isoleucine 462 with asparagine.
Molecular consequence: missense variant.
Genome position (GRCh38, 1-based): chr1:225,857,010, A>T on the plus strand (T>A on the coding strand, the complement: TMEM63A is on the minus strand). VCF-style: chr1-225857010-A-T. GRCh37 (hg19) VCF-style: chr1-226044710-A-T.
Other names: short protein forms I462N.
Identifiers: ClinVar variation 689460 (VCV000689460.4), dbSNP rs1576080546, ClinGen allele CA345016170.
Genomic context (GRCh38, chr1:225,857,010, plus strand): 5'-ATGGAGGGGAGCAGGGCCGAGAAGGACCAGAGCAGGAGGGTGGGGAAGAACTGGCTGATG[A>T]TCGGGTTCTAGGAGAAAGGTCCACAGCAGAGAGAGTCACAGGGGCCGTGGGCCACGCGGC-3'
Protein context (NP_055513.2, residues 452-472): TKPIHALNNP[Ile462Asn]ISQFFPTLLL